The following is an entry in ClinVar:

NM_133433.4(NIPBL):c.2926A>G (p.Met976Val)

Gene: NIPBL (NIPBL cohesin loading factor; plus strand). Cytogenetic location: 5p13.2.
Variant type: single nucleotide variant.
Coding change: c.2926A>G on transcript NM_133433.4 (MANE Select); coding-DNA position 2926, A replaced by G.
Protein change: p.Met976Val; replaces methionine 976 with valine.
Molecular consequence: missense variant.
Genome position (GRCh38, 1-based): chr5:36,986,106, A>G. VCF-style: chr5-36986106-A-G. GRCh37 (hg19) VCF-style: chr5-36986208-A-G.
Other names: c.2926A>G, p.Met976Val (NM_015384.5); short protein forms M976V.
Identifiers: ClinVar variation 353377 (VCV000353377.9), dbSNP rs749926228, ClinGen allele CA3236243.

ClinVar aggregate classification (germline): Uncertain significance. Review status: criteria provided, multiple submitters, no conflicts (2 of 4 stars). 3 submissions from 3 submitters: Uncertain significance (3). Last evaluated 2025-09-22.

Conditions:
Cornelia de Lange syndrome 1 (CDLS1). Also called: Brachmann de Lange syndrome; NIPBL-Related Cornelia de Lange Syndrome; TYPUS DEGENERATIVUS AMSTELODAMENSIS. Identifiers: Orphanet 199, MedGen C4551851, MONDO:0007387, OMIM 122470.

Allele frequency attached by ClinVar (database versions not stated): TOPMed below 0.00001; gnomAD exomes 0.00002 and 0.00004; ExAC 0.00004.
gnomAD v4.1: 35 of 1,613,976 alleles (0.0022%); highest among the groups gnomAD compares: Admixed American, 0.0067%; no homozygotes.

Submissions (3):

Labcorp Genetics (formerly Invitae), Labcorp
Classification: Uncertain significance for Cornelia de Lange syndrome 1. Last evaluated: 2025-09-22. Review status: criteria provided, single submitter. Criteria: Invitae Variant Classification Sherloc (09022015). Collection method: clinical testing. Allele origin: germline.
Comment: This sequence change replaces methionine, which is neutral and non-polar, with valine, which is neutral and non-polar, at codon 976 of the NIPBL protein (p.Met976Val). This variant is present in population databases (rs749926228, gnomAD 0.01%). This variant has not been reported in the literature in individuals affected with NIPBL-related conditions. ClinVar contains an entry for this variant (Variation ID: 353377). Invitae Evidence Modeling of protein sequence and biophysical properties (such as structural, functional, and spatial information, amino acid conservation, physicochemical variation, residue mobility, and thermodynamic stability) indicates that this missense variant is not expected to disrupt NIPBL protein function with a negative predictive value of 95%. In summary, the available evidence is currently insufficient to determine the role of this variant in disease. Therefore, it has been classified as a Variant of Uncertain Significance.

Fulgent Genetics
Classification: Uncertain significance for Cornelia de Lange syndrome 1. Last evaluated: 2024-04-23. Review status: criteria provided, single submitter. Criteria: ACMG Guidelines, 2015. Collection method: clinical testing. Allele origin: germline.

Illumina Laboratory Services, Illumina
Classification: Uncertain significance for Cornelia de Lange syndrome 1. Last evaluated: 2018-01-13. Review status: criteria provided, single submitter. Criteria: ICSL Variant Classification Criteria 13 December 2019. Collection method: clinical testing. Allele origin: germline.